The following is an entry in ClinVar:

ClinVar aggregate classification (germline): Uncertain significance (1 of 4 stars; one submission).

Conditions:
Hereditary pheochromocytoma and paraganglioma. Also called: Hereditary Paraganglioma-Pheochromocytoma Syndromes; Hereditary paragangliomas and pheochromocytomas; Hereditary pheochromocytoma-paraganglioma. Identifiers: Orphanet 29072, MedGen C4274332, MONDO:0017366.

Allele frequency attached by ClinVar (database versions not stated): gnomAD exomes below 0.00001 and 0.00001.
gnomAD v4.1: 2 of 1,558,428 alleles (0.00013%); highest among the groups gnomAD compares: South Asian, 0.0023%; no homozygotes.

Submission:

Labcorp Genetics (formerly Invitae), Labcorp
Classification: Uncertain significance for Hereditary pheochromocytoma and paraganglioma. Last evaluated: 2017-11-18. Review status: criteria provided, single submitter. Criteria: Invitae Variant Classification Sherloc (09022015). Collection method: clinical testing. Allele origin: germline.
Comment: This sequence change replaces alanine with valine at codon 32 of the TMEM127 protein (p.Ala32Val). The alanine residue is highly conserved and there is a small physicochemical difference between alanine and valine. While this variant is not present in population databases, the frequency information is unreliable, as metrics indicate poor data quality at this position in the ExAC database. This variant has not been reported in the literature in individuals with TMEM127-related disease. Algorithms developed to predict the effect of missense changes on protein structure and function (SIFT, PolyPhen-2, Align-GVGD) all suggest that this variant is likely to be tolerated, but these predictions have not been confirmed by published functional studies and their clinical significance is uncertain. In summary, the available evidence is currently insufficient to determine the role of this variant in disease. Therefore, it has been classified as a Variant of Uncertain Significance.

NM_017849.4(TMEM127):c.95C>T (p.Ala32Val)

Genes: TMEM127 (transmembrane protein 127; minus strand), LOC129934333 (ATAC-STARR-seq lymphoblastoid silent region 11759; plus strand). Cytogenetic location: 2q11.2.
Variant type: single nucleotide variant.
Coding change: c.95C>T on transcript NM_017849.4 (MANE Select); coding-DNA position 95, C replaced by T.
Protein change: p.Ala32Val; replaces alanine 32 with valine.
Molecular consequence: missense variant.
Genome position (GRCh38, 1-based): chr2:96,265,287, G>A on the plus strand (C>T on the coding strand, the complement: TMEM127 is on the minus strand). VCF-style: chr2-96265287-G-A. GRCh37 (hg19) VCF-style: chr2-96931025-G-A.
Other names: c.95C>T, p.Ala32Val (NM_001193304.3); short protein forms A32V.
Identifiers: ClinVar variation 532519 (VCV000532519.9), dbSNP rs1459156138, ClinGen allele CA347656122.
Genomic context (GRCh38, chr2:96,265,287, plus strand): 5'-GCGGGCTCGGCGAGGGCAGTGCACAGCGCCGTGATAGACAGGGCGCCAGGCAGGGCCGAG[G>A]CCAGGCTACGCTCCGGCTGCTTGGGCAGAGCGCTGCCTCCCGGGCTCCTCCGCCGGCGCC-3'
Protein context (NP_060319.1, residues 22-42): ALPKQPERSL[Ala32Val]SALPGALSIT